The following is an entry in ClinVar:

NM_207421.4(PADI6):c.249C>T (p.Ala83=)

Gene: PADI6 (peptidyl arginine deiminase 6; plus strand). Cytogenetic location: 1p36.13.
Variant type: single nucleotide variant.
Coding change: c.249C>T on transcript NM_207421.4 (MANE Select); coding-DNA position 249, C replaced by T.
Protein change: p.Ala83=; no amino-acid change (alanine 83 retained).
Molecular consequence: synonymous variant.
Genome position (GRCh38, 1-based): chr1:17,373,188, C>T. VCF-style: chr1-17373188-C-T. GRCh37 (hg19) VCF-style: chr1-17699683-C-T.
Identifiers: ClinVar variation 3054892 (VCV003054892.2), dbSNP rs199621634, ClinGen allele CA641248.

ClinVar aggregate classification (germline): Likely benign (0 of 4 stars; one submission).

Conditions:
PADI6-related disorder. Also called: PADI6-related condition.

Allele frequency attached by ClinVar (database versions not stated): gnomAD 0.00003; gnomAD exomes 0.00007; TOPMed 0.00016; ExAC 0.00027; 1000 Genomes Project 30x 0.00031; 1000 Genomes Project 0.00040.
gnomAD v4.1: 99 of 1,614,014 alleles (0.0061%); highest among the groups gnomAD compares: Admixed American, 0.16%; 1 homozygote.

Submission:

PreventionGenetics, part of Exact Sciences
Classification: Likely benign for PADI6-related condition. Last evaluated: 2020-03-30. Review status: no assertion criteria provided. Collection method: clinical testing. Allele origin: germline.
Comment: This variant is classified as likely benign based on ACMG/AMP sequence variant interpretation guidelines (Richards et al. 2015 PMID: 25741868, with internal and published modifications).